The following is an entry in ClinVar:

ClinVar aggregate classification (germline): Pathogenic (1 of 4 stars; one submission).

Allele frequency attached by ClinVar (database versions not stated): gnomAD exomes below 0.00001.
gnomAD v4.1: 1 of 1,548,024 alleles (0.000065%); highest among the groups gnomAD compares: Non-Finnish European, 0.000088%; no homozygotes.

Submission:

GeneDx
Classification: Pathogenic. Last evaluated: 2026-05-19. Review status: criteria provided, single submitter. Criteria: GeneDx Variant Classification Process June 2021. Collection method: clinical testing. Allele origin: germline.
Comment: Not observed at significant frequency in large population cohorts (gnomAD); Has not been previously published as pathogenic or benign to our knowledge; Nonsense variant predicted to result in protein truncation or nonsense mediated decay in a gene for which loss of function is a known mechanism of disease

NM_020706.2(SCAF4):c.1450C>T (p.Arg484Ter)

Gene: SCAF4 (SR-related CTD associated factor 4; minus strand). Cytogenetic location: 21q22.11.
Variant type: single nucleotide variant.
Coding change: c.1450C>T on transcript NM_020706.2 (MANE Select); coding-DNA position 1450, C replaced by T.
Protein change: p.Arg484Ter; replaces arginine 484 with a stop codon.
Molecular consequence: nonsense.
Genome position (GRCh38, 1-based): chr21:31,693,357, G>A on the plus strand (C>T on the coding strand, the complement: SCAF4 is on the minus strand). VCF-style: chr21-31693357-G-A. GRCh37 (hg19) VCF-style: chr21-33065670-G-A.
Other names: c.1405C>T, p.Arg469Ter (NM_001145444.1); c.1450C>T, p.Arg484Ter (NM_001145445.1); short protein forms R469*, R484*.
Identifiers: ClinVar variation 1698044 (VCV001698044.3), dbSNP rs2123538435, ClinGen allele CA410047490.